The following is an entry in ClinVar:

NM_001754.5(RUNX1):c.1338C>T (p.Leu446=)

Gene: RUNX1 (RUNX family transcription factor 1; minus strand). Cytogenetic location: 21q22.12.
Variant type: single nucleotide variant.
Coding change: c.1338C>T on transcript NM_001754.5 (MANE Select); coding-DNA position 1338, C replaced by T.
Protein change: p.Leu446=; no amino-acid change (leucine 446 retained).
Molecular consequence: synonymous variant.
Genome position (GRCh38, 1-based): chr21:34,792,240, G>A on the plus strand (C>T on the coding strand, the complement: RUNX1 is on the minus strand). VCF-style: chr21-34792240-G-A. GRCh37 (hg19) VCF-style: chr21-36164537-G-A.
Other names: NM_001754.4(RUNX1):c.1338C>T; p.Leu446=; c.1257C>T, p.Leu419= (NM_001001890.3).
Identifiers: ClinVar variation 561227 (VCV000561227.20), dbSNP rs769628054, ClinGen allele CA10014185.

ClinVar aggregate classification (germline): Benign. Review status: reviewed by expert panel (3 of 4 stars). 6 submissions from 6 submitters: Benign (1). 5 of the submissions do not count toward it. Last evaluated 2022-07-07.

Conditions:
Hereditary thrombocytopenia and hematologic cancer predisposition syndrome. Identifiers: Orphanet 71290, MedGen CN281654, MONDO:0011071.
Acute myeloid leukemia (AML). Also called: Leukemia, acute myeloid, somatic; Leukemia, acute myelogenous, somatic; Acute myeloid leukemia, adult; AML adult; Acute non-lymphocytic leukemia; Acute granulocytic leukemia. Identifiers: Orphanet 519, MedGen C0023467, MeSH D015470, MONDO:0018874, OMIM 601626, HP:0004808. Disease mechanism: Constitutively activated FLT3.
Hereditary thrombocytopenia and hematological cancer predisposition syndrome associated with RUNX1. Also called: PLATELET DISORDER, ASPIRIN-LIKE; Familial thrombocytopenia with propensity to acute myelogenous leukemia; Familial Platelet Disorder with Propensity to Acute Myelogenous Leukemia; RUNX1 Familial Platelet Disorder with Associated Myeloid Malignancies. Identifiers: Orphanet 71290, MedGen C1832388, MeSH C563324, MONDO:0100083, OMIM 601399.
Inborn genetic diseases. Identifiers: MedGen C0950123, MeSH D030342.

Allele frequency attached by ClinVar (database versions not stated): gnomAD 0.00004 and 0.00007; TOPMed 0.00004; ExAC 0.00008; gnomAD exomes 0.00008.
gnomAD v4.1: 58 of 1,539,882 alleles (0.0038%); highest among the groups gnomAD compares: South Asian, 0.046%; 2 homozygotes.

Submissions (6):

ClinGen Myeloid Malignancy Variant Curation Expert Panel
Classification: Benign for Hereditary thrombocytopenia and hematologic cancer predisposition syndrome. Last evaluated: 2022-07-07. Review status: reviewed by expert panel. Criteria: ClinGen MyeloMalig ACMG Specifications v2. Collection method: curation. Allele origin: germline. Inheritance: Autosomal dominant inheritance.
Comment: This c.1338C>T (p.Leu446=) synonymous variant, located at a non-conserved nucleotide per an evolutionary conservation prediction algorithm (PhyloP score = -0.004008 in GRCh38), is not predicted to have any splicing impact per SpliceAI (BP4+BP7). In addition, the variant is present in gnomAD at an allele frequency between 0.015% and 0.15% in a general continental population (South Asian subpopulation: 0.03506% in v2 and 0.1449% in v3) with >5 variant alleles and a minimum of 2000 total alleles (BS1) and was found in homozygosity in the population database (BP2). In summary, the clinical significance of this variant is benign. ACMG/AMP criteria applied, as specified by the ClinGen Myeloid Malignancy Variant Curation Expert Panel for RUNX1: BS1, BP2, BP4, and BP7.

Labcorp Genetics (formerly Invitae), Labcorp
Classification: Likely benign for Hereditary thrombocytopenia and hematological cancer predisposition syndrome associated with RUNX1. Last evaluated: 2025-11-24. Review status: criteria provided, single submitter. Criteria: Invitae Variant Classification Sherloc (09022015). Collection method: clinical testing. Allele origin: germline. Not counted in ClinVar's aggregate classification.

Ambry Genetics
Classification: Likely benign for Inborn genetic diseases. Last evaluated: 2024-08-21. Review status: criteria provided, single submitter. Criteria: Ambry Variant Classification Scheme 2023. Collection method: clinical testing. Allele origin: germline. Not counted in ClinVar's aggregate classification.

Fulgent Genetics
Classification: Likely benign for Hereditary thrombocytopenia and hematological cancer predisposition syndrome associated with RUNX1; Acute myeloid leukemia. Last evaluated: 2021-12-10. Review status: criteria provided, single submitter. Criteria: ACMG Guidelines, 2015. Collection method: clinical testing. Allele origin: unknown. Not counted in ClinVar's aggregate classification.

Genetic Services Laboratory, University of Chicago
Classification: Uncertain significance. Last evaluated: 2021-02-10. Review status: criteria provided, single submitter. Criteria: ACMG Guidelines, 2015. Collection method: clinical testing. Allele origin: germline. Affected: no. Not counted in ClinVar's aggregate classification.

PreventionGenetics, part of Exact Sciences
Classification: Uncertain significance. Last evaluated: 2014-01-03. Review status: criteria provided, single submitter. Criteria: ACMG Guidelines, 2015. Collection method: clinical testing. Allele origin: germline. Not counted in ClinVar's aggregate classification.